The following is an entry in ClinVar:

NM_001025356.3(ANO6):c.1165+21dup

Gene: ANO6 (anoctamin 6; plus strand). Cytogenetic location: 12q12.
Variant type: Duplication.
Coding change: c.1165+21dup on transcript NM_001025356.3 (MANE Select); 21 bases into the intron after coding-DNA position 1165, one base duplicated (T; older notation c.1165+21dupT).
Molecular consequence: intron variant.
Genome position (GRCh38, 1-based): chr12:45,378,134, T duplicated; the last of 16 consecutive T bases (chr12:45,378,119-45,378,134); duplicating any one gives the same sequence. VCF-style (leftmost placement, unchanged base first): chr12-45378118-G-GT. GRCh37 (hg19) VCF-style: chr12-45771901-G-GT.
Other names: p.?; c.1165+21dup (NM_001142679.2); c.1228+21dup (NM_001204803.2); c.1132+21dup (NM_001410973.1); c.1111+21dup (NM_001142678.2).
Identifiers: ClinVar variation 4683750 (VCV004683750.2).

ClinVar aggregate classification (germline): Benign/Likely benign. Review status: criteria provided, multiple submitters, no conflicts (2 of 4 stars). 2 submissions from 2 submitters: Benign (1); Likely benign (1). Last evaluated 2024-11-27.

Submissions (2):

Blueprint Genetics
Classification: Likely benign. Last evaluated: 2024-11-27. Review status: criteria provided, single submitter. Criteria: ACMG Guidelines, 2015. Collection method: clinical testing. Allele origin: germline.

Mayo Clinic Laboratories, Mayo Clinic
Classification: Benign. Last evaluated: 2023-08-16. Review status: criteria provided, single submitter. Criteria: ACMG Guidelines, 2015. Collection method: clinical testing. Allele origin: germline. Observed: 453 variant alleles.
Comment: BA1, BP4, BP7